The following is an entry in ClinVar:

NM_000747.3(CHRNB1):c.724C>T (p.Arg242Cys)

Gene: CHRNB1 (cholinergic receptor nicotinic beta 1 subunit; plus strand). Cytogenetic location: 17p13.1.
Variant type: single nucleotide variant.
Coding change: c.724C>T on transcript NM_000747.3 (MANE Select); coding-DNA position 724, C replaced by T.
Protein change: p.Arg242Cys; replaces arginine 242 with cysteine.
Molecular consequence: missense variant.
Genome position (GRCh38, 1-based): chr17:7,448,692, C>T. VCF-style: chr17-7448692-C-T. GRCh37 (hg19) VCF-style: chr17-7352011-C-T.
Other names: p.Arg242Cys; short protein forms R242C.
Identifiers: ClinVar variation 664909 (VCV000664909.52), dbSNP rs200962487, ClinGen allele CA287425851.

ClinVar aggregate classification (germline): Uncertain significance. Review status: criteria provided, multiple submitters, no conflicts (2 of 4 stars). 4 submissions from 4 submitters: Uncertain significance (4). Last evaluated 2025-12-17.

Conditions:
Congenital myasthenic syndrome 2A. Also called: Myasthenic syndrome, congenital, 2a, slow-channel. Identifiers: Orphanet 590, MedGen C4225374, MONDO:0014581, OMIM 616313.

Allele frequency attached by ClinVar (database versions not stated): gnomAD exomes 0.00004 and 0.00001; gnomAD 0.00001 and 0.00002; TOPMed 0.00002.
gnomAD v4.1: 54 of 1,614,190 alleles (0.0033%); highest among the groups gnomAD compares: South Asian, 0.0066%; no homozygotes.

Submissions (4):

Labcorp Genetics (formerly Invitae), Labcorp
Classification: Uncertain significance for Congenital myasthenic syndrome 2A. Last evaluated: 2025-12-17. Review status: criteria provided, single submitter. Criteria: Invitae Variant Classification Sherloc (09022015). Collection method: clinical testing. Allele origin: germline.
Comment: This sequence change replaces arginine, which is basic and polar, with cysteine, which is neutral and slightly polar, at codon 242 of the CHRNB1 protein (p.Arg242Cys). This variant is present in population databases (rs200962487, gnomAD 0.006%). This variant has not been reported in the literature in individuals affected with CHRNB1-related conditions. ClinVar contains an entry for this variant (Variation ID: 664909). Invitae Evidence Modeling of protein sequence and biophysical properties (such as structural, functional, and spatial information, amino acid conservation, physicochemical variation, residue mobility, and thermodynamic stability) indicates that this missense variant is not expected to disrupt CHRNB1 protein function with a negative predictive value of 80%. In summary, the available evidence is currently insufficient to determine the role of this variant in disease. Therefore, it has been classified as a Variant of Uncertain Significance.

Mayo Clinic Laboratories, Mayo Clinic
Classification: Uncertain significance. Last evaluated: 2025-03-06. Review status: criteria provided, single submitter. Criteria: ACMG Guidelines, 2015. Collection method: clinical testing. Allele origin: germline. Observed: 1 variant allele.
Comment: PP3

Revvity Omics, Revvity
Classification: Uncertain significance. Last evaluated: 2024-05-13. Review status: criteria provided, single submitter. Criteria: ACMG Guidelines, 2015. Collection method: clinical testing. Allele origin: germline.

CeGaT Center for Human Genetics Tuebingen
Classification: Uncertain significance. Last evaluated: 2017-12-01. Review status: criteria provided, single submitter. Criteria: CeGaT Center For Human Genetics Tuebingen Variant Classification Criteria Version 2. Collection method: clinical testing. Allele origin: germline. Affected: yes. Observed: 1 variant allele.